The following is an entry in ClinVar:

ClinVar aggregate classification (germline): Uncertain significance (1 of 4 stars; one submission).

Conditions:
Perlman syndrome (PRLMNS). Identifiers: Orphanet 2849, MedGen C0796113, MONDO:0009965, OMIM 267000.

Submission:

Labcorp Genetics (formerly Invitae), Labcorp
Classification: Uncertain significance for Perlman syndrome. Last evaluated: 2022-07-25. Review status: criteria provided, single submitter. Criteria: Invitae Variant Classification Sherloc (09022015). Collection method: clinical testing. Allele origin: germline.
Comment: In summary, the available evidence is currently insufficient to determine the role of this variant in disease. Therefore, it has been classified as a Variant of Uncertain Significance. Algorithms developed to predict the effect of sequence changes on RNA splicing suggest that this variant may disrupt the consensus splice site. Algorithms developed to predict the effect of missense changes on protein structure and function are either unavailable or do not agree on the potential impact of this missense change (SIFT: "Tolerated"; PolyPhen-2: "Possibly Damaging"; Align-GVGD: "Class C0"). ClinVar contains an entry for this variant (Variation ID: 954547). This variant has not been reported in the literature in individuals affected with DIS3L2-related conditions. This variant is not present in population databases (gnomAD no frequency). This sequence change replaces arginine, which is basic and polar, with leucine, which is neutral and non-polar, at codon 43 of the DIS3L2 protein (p.Arg43Leu).

NM_152383.5(DIS3L2):c.128G>T (p.Arg43Leu)

Gene: DIS3L2 (DIS3 like 3'-5' exoribonuclease 2; plus strand). Cytogenetic location: 2q37.1.
Variant type: single nucleotide variant.
Coding change: c.128G>T on transcript NM_152383.5 (MANE Select); coding-DNA position 128, G replaced by T.
Protein change: p.Arg43Leu; replaces arginine 43 with leucine.
Molecular consequence: missense variant. On other transcripts: non-coding transcript variant (2).
Genome position (GRCh38, 1-based): chr2:232,015,589, G>T. VCF-style: chr2-232015589-G-T. GRCh37 (hg19) VCF-style: chr2-232880299-G-T.
Other names: c.128G>T, p.Arg43Leu (NM_001257281.2, NM_001257282.2); short protein forms R43L.
Identifiers: ClinVar variation 954547 (VCV000954547.9), dbSNP rs767837521, ClinGen allele CA351151959.